The following is an entry in ClinVar:

ClinVar aggregate classification (germline): Uncertain significance. Review status: criteria provided, multiple submitters, no conflicts (2 of 4 stars). 3 submissions from 3 submitters: Uncertain significance (3). Last evaluated 2025-08-05.

Conditions:
Hereditary cancer-predisposing syndrome. Also called: Neoplastic Syndromes, Hereditary; Tumor predisposition; Hereditary Cancer Syndrome; Hereditary neoplastic syndrome. Identifiers: Orphanet 140162, MedGen C0027672, MeSH D009386, MONDO:0015356.
Dilated cardiomyopathy 1GG (CMD1GG). Identifiers: Orphanet 154, MedGen C3150898, MONDO:0013339, OMIM 613642.

Allele frequency attached by ClinVar (database versions not stated): TOPMed below 0.00001; gnomAD 0.00001; 1000 Genomes Project 30x 0.00016; 1000 Genomes Project 0.00020.
gnomAD v4.1: 1 of 1,601,890 alleles (0.000062%); highest among the groups gnomAD compares: African/African-American, 0.0013%; no homozygotes.

Submissions (3):

Ambry Genetics
Classification: Uncertain significance for Hereditary cancer-predisposing syndrome. Last evaluated: 2025-08-05. Review status: criteria provided, single submitter. Criteria: Ambry Variant Classification Scheme 2023. Collection method: clinical testing. Allele origin: germline.
Comment: The c.1795G>A variant (also known as p.V599M) is located in coding exon 14 of the SDHA gene. The valine at codon 599 is replaced by methionine, an amino acid with highly similar properties. However, this change occurs in the first base pair of coding exon 14, which means it may have some effect on normal mRNA splicing. This nucleotide position is well conserved in available vertebrate species. In silico splice site analysis predicts that this alteration will result in the creation or strengthening of a novel splice acceptor site. RNA studies have demonstrated that this alteration results in an incomplete splice defect; the clinical impact of this abnormal splicing is unknown at this time (Ambry internal data). In addition, as a missense substitution this is predicted to be inconclusive by in silico analysis. Based on the available evidence, the clinical significance of this variant remains unclear.

Baylor Genetics
Classification: Uncertain significance for Dilated cardiomyopathy 1GG. Last evaluated: 2023-05-02. Review status: criteria provided, single submitter. Criteria: ACMG Guidelines, 2015. Collection method: clinical testing. Allele origin: unknown.

GeneDx
Classification: Uncertain significance. Last evaluated: 2022-04-27. Review status: criteria provided, single submitter. Criteria: GeneDx Variant Classification Process June 2021. Collection method: clinical testing. Allele origin: germline. Affected: yes.
Comment: Not observed at significant frequency in large population cohorts (gnomAD); In silico analysis supports a deleterious effect on splicing; In silico analysis supports that this missense variant does not alter protein structure/function; Has not been previously published as pathogenic or benign to our knowledge

NM_004168.4(SDHA):c.1795G>A (p.Val599Met)

Gene: SDHA (succinate dehydrogenase complex flavoprotein subunit A; plus strand). Cytogenetic location: 5p15.33.
Variant type: single nucleotide variant.
Coding change: c.1795G>A on transcript NM_004168.4 (MANE Select); coding-DNA position 1795, G replaced by A.
Protein change: p.Val599Met; replaces valine 599 with methionine.
Molecular consequence: missense variant.
Genome position (GRCh38, 1-based): chr5:254,393, G>A. VCF-style: chr5-254393-G-A. GRCh37 (hg19) VCF-style: chr5-254508-G-A.
Other names: c.1651G>A, p.Val551Met (NM_001294332.2); c.1552G>A, p.Val518Met (NM_001330758.2); short protein forms V518M, V551M, V599M.
Identifiers: ClinVar variation 1712840 (VCV001712840.5), dbSNP rs574659983, ClinGen allele CA112784134.